The following is an entry in ClinVar:

NM_000342.4(SLC4A1):c.1283-1G>A

Gene: SLC4A1 (solute carrier family 4 member 1 (Diego blood group); minus strand). Cytogenetic location: 17q21.31.
Variant type: single nucleotide variant.
Coding change: c.1283-1G>A on transcript NM_000342.4 (MANE Select); the canonical splice acceptor site of the intron before coding-DNA position 1283, G replaced by A.
Molecular consequence: splice acceptor variant.
Genome position (GRCh38, 1-based): chr17:44,257,808, C>T on the plus strand (G>A on the coding strand, the complement: SLC4A1 is on the minus strand). VCF-style: chr17-44257808-C-T. GRCh37 (hg19) VCF-style: chr17-42335176-C-T.
Identifiers: ClinVar variation 3658209 (VCV003658209.2).

ClinVar aggregate classification (germline): Likely pathogenic (1 of 4 stars; one submission).

Submission:

Labcorp Genetics (formerly Invitae), Labcorp
Classification: Likely pathogenic. Last evaluated: 2025-06-08. Review status: criteria provided, single submitter. Criteria: Invitae Variant Classification Sherloc (09022015). Collection method: clinical testing. Allele origin: germline.
Comment: This sequence change affects an acceptor splice site in intron 11 of the SLC4A1 gene. It is expected to disrupt RNA splicing. Variants that disrupt the donor or acceptor splice site typically lead to a loss of protein function (PMID: 16199547), and loss-of-function variants in SLC4A1 are known to be pathogenic (PMID: 8943874, 10926824, 23255290). This variant is not present in population databases (gnomAD no frequency). This variant has not been reported in the literature in individuals affected with SLC4A1-related conditions. ClinVar contains an entry for this variant (Variation ID: 3658209). Algorithms developed to predict the effect of sequence changes on RNA splicing suggest that this variant may disrupt the consensus splice site. In summary, the currently available evidence indicates that the variant is pathogenic, but additional data are needed to prove that conclusively. Therefore, this variant has been classified as Likely Pathogenic.

Literature cited by the submitters: PubMed 16199547; PubMed 8943874; PubMed 10926824; PubMed 23255290.